The following is an entry in ClinVar:

ClinVar aggregate classification (germline): Likely benign (0 of 4 stars; one submission).

Conditions:
MED12-Related Disorders. Also called: MED12-related disorder; MED12-related condition. Identifiers: MedGen CN381102.

Allele frequency attached by ClinVar (database versions not stated): gnomAD exomes below 0.00001.
gnomAD v4.1: 2 of 1,208,552 alleles (0.00017%); highest among the groups gnomAD compares: Admixed American, 0.0044%; no homozygotes.

Submission:

PreventionGenetics, part of Exact Sciences
Classification: Likely benign for MED12-related condition. Last evaluated: 2021-08-31. Review status: no assertion criteria provided. Collection method: clinical testing. Allele origin: germline.
Comment: This variant is classified as likely benign based on ACMG/AMP sequence variant interpretation guidelines (Richards et al. 2015 PMID: 25741868, with internal and published modifications).

NM_005120.3(MED12):c.78T>C (p.Pro26=)

Gene: MED12 (mediator complex subunit 12; plus strand). Cytogenetic location: Xq13.1.
Variant type: single nucleotide variant.
Coding change: c.78T>C on transcript NM_005120.3 (MANE Select); coding-DNA position 78, T replaced by C.
Protein change: p.Pro26=; no amino-acid change (proline 26 retained).
Molecular consequence: synonymous variant.
Genome position (GRCh38, 1-based): chrX:71,118,832, T>C. VCF-style: chrX-71118832-T-C. GRCh37 (hg19) VCF-style: chrX-70338682-T-C.
Identifiers: ClinVar variation 3058088 (VCV003058088.2), dbSNP rs1279241704, ClinGen allele CA516707144.